The following is an entry in ClinVar:

NM_006080.3(SEMA3A):c.1340A>G (p.Asp447Gly)

Gene: SEMA3A (semaphorin 3A; minus strand). Cytogenetic location: 7q21.11.
Variant type: single nucleotide variant.
Coding change: c.1340A>G on transcript NM_006080.3 (MANE Select); coding-DNA position 1340, A replaced by G.
Protein change: p.Asp447Gly; replaces aspartic acid 447 with glycine.
Molecular consequence: missense variant.
Genome position (GRCh38, 1-based): chr7:84,005,359, T>C on the plus strand (A>G on the coding strand, the complement: SEMA3A is on the minus strand). VCF-style: chr7-84005359-T-C. GRCh37 (hg19) VCF-style: chr7-83634675-T-C.
Other names: short protein forms D447G.
Identifiers: ClinVar variation 3356701 (VCV003356701.2).

ClinVar aggregate classification (germline): Uncertain significance (1 of 4 stars; one submission).

Conditions:
SEMA3A-related disorder. Also called: SEMA3A-related condition.

gnomAD v4.1: 77 of 1,612,952 alleles (0.0048%); highest among the groups gnomAD compares: Admixed American, 0.0067%; no homozygotes.

Submission:

PreventionGenetics, part of Exact Sciences
Classification: Uncertain significance for SEMA3A-related condition. Last evaluated: 2026-09-01. Review status: criteria provided, single submitter. Criteria: ACMG Guidelines, 2015. Collection method: clinical testing. Allele origin: germline.
Comment: The SEMA3A c.1340A>G variant is predicted to result in the amino acid substitution p.Asp447Gly. This variant was reported in patients with Kallmann syndrome (Supplementary Table 2, Marcos et al. 2014. PubMed ID: 25077900; Shu et al. 2022. PubMed ID: 36267363). This variant is reported in 0.0085% of alleles in individuals of Latino descent in gnomAD. Although we suspect that this variant may be pathogenic, at this time, the clinical significance of this variant is uncertain due to the absence of conclusive functional and genetic evidence.